The following is an entry in ClinVar:

ClinVar aggregate classification (germline): Uncertain significance. Review status: criteria provided, multiple submitters, no conflicts (2 of 4 stars). 2 submissions from 2 submitters: Uncertain significance (2). Last evaluated 2025-08-14.

Conditions:
Hereditary cancer-predisposing syndrome. Also called: Tumor predisposition; Hereditary neoplastic syndrome; Neoplastic Syndromes, Hereditary; Hereditary Cancer Syndrome. Identifiers: Orphanet 140162, MedGen C0027672, MeSH D009386, MONDO:0015356.
Neuroblastoma, susceptibility to, 3. Also called: ALK-Related Neuroblastic Tumor Susceptibility. Identifiers: Orphanet 635, MedGen C2751681, MONDO:0013083, OMIM 613014.

Submissions (2):

Ambry Genetics
Classification: Uncertain significance for Hereditary cancer-predisposing syndrome. Last evaluated: 2025-08-14. Review status: criteria provided, single submitter. Criteria: Ambry Variant Classification Scheme 2023. Collection method: clinical testing. Allele origin: germline.
Comment: The p.A55V variant (also known as c.164C>T), located in coding exon 1 of the ALK gene, results from a C to T substitution at nucleotide position 164. The alanine at codon 55 is replaced by valine, an amino acid with similar properties. This amino acid position is conserved. In addition, the in silico prediction for this alteration is inconclusive. Since supporting evidence is limited at this time, the clinical significance of this alteration remains unclear.

Labcorp Genetics (formerly Invitae), Labcorp
Classification: Uncertain significance for Neuroblastoma, susceptibility to, 3. Last evaluated: 2021-05-13. Review status: criteria provided, single submitter. Criteria: Invitae Variant Classification Sherloc (09022015). Collection method: clinical testing. Allele origin: germline.
Comment: This variant has not been reported in the literature in individuals with ALK-related conditions. Algorithms developed to predict the effect of missense changes on protein structure and function are either unavailable or do not agree on the potential impact of this missense change (SIFT: "Deleterious"; PolyPhen-2: "Benign"; Align-GVGD: "Class C0"). Algorithms developed to predict the effect of sequence changes on RNA splicing suggest that this variant may create or strengthen a splice site, but this prediction has not been confirmed by published transcriptional studies. In summary, the available evidence is currently insufficient to determine the role of this variant in disease. Therefore, it has been classified as a Variant of Uncertain Significance. This variant is not present in population databases (ExAC no frequency). This sequence change replaces alanine with valine at codon 55 of the ALK protein (p.Ala55Val). The alanine residue is moderately conserved and there is a small physicochemical difference between alanine and valine.

NM_004304.5(ALK):c.164C>T (p.Ala55Val)

Gene: ALK (ALK receptor tyrosine kinase; minus strand). Cytogenetic location: 2p23.1.
Variant type: single nucleotide variant.
Coding change: c.164C>T on transcript NM_004304.5 (MANE Select); coding-DNA position 164, C replaced by T.
Protein change: p.Ala55Val; replaces alanine 55 with valine.
Molecular consequence: missense variant.
Genome position (GRCh38, 1-based): chr2:29,920,496, G>A on the plus strand (C>T on the coding strand, the complement: ALK is on the minus strand). VCF-style: chr2-29920496-G-A. GRCh37 (hg19) VCF-style: chr2-30143362-G-A.
Other names: c.164C>T (NM_004304.4); short protein forms A55V.
Identifiers: ClinVar variation 1520805 (VCV001520805.10), dbSNP rs1217013970, ClinGen allele CA346590570.